The following is an entry in ClinVar:

NM_003072.5(SMARCA4):c.2506-5T>C

Gene: SMARCA4 (SWI/SNF related BAF chromatin remodeling complex subunit ATPase 4; plus strand). Cytogenetic location: 19p13.2.
Variant type: single nucleotide variant.
Coding change: c.2506-5T>C on transcript NM_003072.5 (MANE Select); 5 bases into the intron before coding-DNA position 2506, T replaced by C.
Molecular consequence: intron variant.
Genome position (GRCh38, 1-based): chr19:11,019,586, T>C. VCF-style: chr19-11019586-T-C. GRCh37 (hg19) VCF-style: chr19-11130262-T-C.
Other names: c.2506-5T>C (NM_001128844.3, NM_001128849.3, NM_001128847.4 and 5 more transcripts).
Identifiers: ClinVar variation 1099009 (VCV001099009.13), dbSNP rs749681016, ClinGen allele CA9204155.

ClinVar aggregate classification (germline): Conflicting classifications of pathogenicity. Review status: criteria provided, conflicting classifications (1 of 4 stars). 2 submissions from 2 submitters: Uncertain significance (1); Likely benign (1). Last evaluated 2025-07-22.

Conditions:
Hereditary cancer-predisposing syndrome. Also called: Tumor predisposition; Hereditary neoplastic syndrome; Hereditary Cancer Syndrome; Neoplastic Syndromes, Hereditary. Identifiers: Orphanet 140162, MedGen C0027672, MeSH D009386, MONDO:0015356.
Rhabdoid tumor predisposition syndrome 2 (RTPS2). Identifiers: Orphanet 231108, Orphanet 69077, MedGen C2750074, MONDO:0013224, OMIM 613325.

Allele frequency attached by ClinVar (database versions not stated): ExAC 0.00001; gnomAD 0.00001.

Submissions (2):

Ambry Genetics
Classification: Uncertain significance for Hereditary cancer-predisposing syndrome. Last evaluated: 2025-07-22. Review status: criteria provided, single submitter. Criteria: Ambry Variant Classification Scheme 2023. Collection method: clinical testing. Allele origin: germline.
Comment: The c.2506-5T>C intronic variant results from a T to C substitution 5 nucleotides upstream from coding exon 17 in the SMARCA4 gene. This variant was detected as heterozygous in individual(s) with no reported features of Coffin-Siris syndrome (Ambry internal data). This nucleotide position is poorly conserved in available vertebrate species. In silico splice site analysis for this alteration is inconclusive. RNA evidence is insufficient at this time (Ambry internal data). Based on the supporting evidence, the association of this alteration with rhabdoid tumor predisposition syndrome is unknown; however, the association of this alteration with Coffin-Siris syndrome is unlikely.

Labcorp Genetics (formerly Invitae), Labcorp
Classification: Likely benign for Rhabdoid tumor predisposition syndrome 2. Last evaluated: 2024-02-09. Review status: criteria provided, single submitter. Criteria: Invitae Variant Classification Sherloc (09022015). Collection method: clinical testing. Allele origin: germline.